The following is an entry in ClinVar:

ClinVar aggregate classification (germline): Benign/Likely benign. Review status: criteria provided, multiple submitters, no conflicts (2 of 4 stars). 2 submissions from 2 submitters: Benign (1); Likely benign (1). Last evaluated 2024-12-07.

Conditions:
EP300-related disorder. Also called: EP300-related disorders; EP300-related condition.
Rubinstein-Taybi syndrome due to EP300 haploinsufficiency. Also called: EP300-Related Rubinstein-Taybi Syndrome; RUBINSTEIN-TAYBI SYNDROME 2. Identifiers: Orphanet 353284, Orphanet 783, MedGen C3150941, MONDO:0013364, OMIM 613684.

Allele frequency attached by ClinVar (database versions not stated): gnomAD 0.00002; gnomAD exomes 0.00003; TOPMed 0.00003.

Submissions (2):

Labcorp Genetics (formerly Invitae), Labcorp
Classification: Benign for Rubinstein-Taybi syndrome due to EP300 haploinsufficiency. Last evaluated: 2024-12-07. Review status: criteria provided, single submitter. Criteria: Invitae Variant Classification Sherloc (09022015). Collection method: clinical testing. Allele origin: germline.

PreventionGenetics, part of Exact Sciences
Classification: Likely benign for EP300-related condition. Last evaluated: 2024-10-07. Review status: criteria provided, single submitter. Criteria: ACMG Guidelines, 2015. Collection method: clinical testing. Allele origin: germline.
Comment: This variant is classified as likely benign based on ACMG/AMP sequence variant interpretation guidelines (Richards et al. 2015 PMID: 25741868, with internal and published modifications).

NM_001429.4(EP300):c.2256G>A (p.Gly752=)

Gene: EP300 (EP300 lysine acetyltransferase; plus strand). Cytogenetic location: 22q13.2.
Variant type: single nucleotide variant.
Coding change: c.2256G>A on transcript NM_001429.4 (MANE Select); coding-DNA position 2256, G replaced by A.
Protein change: p.Gly752=; no amino-acid change (glycine 752 retained).
Molecular consequence: synonymous variant.
Genome position (GRCh38, 1-based): chr22:41,149,052, G>A. VCF-style: chr22-41149052-G-A. GRCh37 (hg19) VCF-style: chr22-41545056-G-A.
Other names: c.2256G>A (NM_001429.3); c.2178G>A, p.Gly726= (NM_001362843.2).
Identifiers: ClinVar variation 1961508 (VCV001961508.6), dbSNP rs1233370924, ClinGen allele CA514641242.